The following is an entry in ClinVar:

ClinVar aggregate classification (germline): Uncertain significance (1 of 4 stars; one submission).

Conditions:
Familial sleep-related hypermotor epilepsy. Also called: Autosomal Dominant Sleep-Related Hypermotor (Hyperkinetic) Epilepsy. Identifiers: Orphanet 98784, MedGen C3696898, MONDO:0000030.

Allele frequency attached by ClinVar (database versions not stated): gnomAD exomes below 0.00001; TOPMed below 0.00001.
gnomAD v4.1: 2 of 1,614,192 alleles (0.00012%); highest among the groups gnomAD compares: East Asian, 0.0022%; no homozygotes.

Submission:

Labcorp Genetics (formerly Invitae), Labcorp
Classification: Uncertain significance. Last evaluated: 2017-07-06. Review status: criteria provided, single submitter. Criteria: Invitae Variant Classification Sherloc (09022015). Collection method: clinical testing. Allele origin: germline.
Comment: This sequence change replaces glutamic acid with lysine at codon 264 of the CHRNB2 protein (p.Glu264Lys). The glutamic acid residue is highly conserved and there is a small physicochemical difference between glutamic acid and lysine. This variant is not present in population databases (ExAC no frequency) and has not been reported in the literature in individuals with a CHRNB2-related disease. In summary, this variant is a novel missense change with uncertain impact on protein function. It has been classified as a Variant of Uncertain Significance. Algorithms developed to predict the effect of missense changes on protein structure and function (SIFT, PolyPhen-2, Align-GVGD) all suggest that this variant is likely to be disruptive, but these predictions have not been confirmed by published functional studies.

NM_000748.3(CHRNB2):c.790G>A (p.Glu264Lys)

Gene: CHRNB2 (cholinergic receptor nicotinic beta 2 subunit; plus strand). Cytogenetic location: 1q21.3.
Variant type: single nucleotide variant.
Coding change: c.790G>A on transcript NM_000748.3 (MANE Select); coding-DNA position 790, G replaced by A.
Protein change: p.Glu264Lys; replaces glutamic acid 264 with lysine.
Molecular consequence: missense variant.
Genome position (GRCh38, 1-based): chr1:154,571,613, G>A. VCF-style: chr1-154571613-G-A. GRCh37 (hg19) VCF-style: chr1-154544089-G-A.
Other names: short protein forms E264K.
Identifiers: ClinVar variation 477017 (VCV000477017.7), dbSNP rs1212070745, ClinGen allele CA342630839.